The following is an entry in ClinVar:

ClinVar aggregate classification (germline): Pathogenic (1 of 4 stars; one submission).

Conditions:
Retinitis pigmentosa 59 (RP59). Identifiers: Orphanet 791, MedGen C3151227, MONDO:0013468, OMIM 613861.

Submission:

Labcorp Genetics (formerly Invitae), Labcorp
Classification: Pathogenic for Retinitis pigmentosa 59. Last evaluated: 2021-08-12. Review status: criteria provided, single submitter. Criteria: Invitae Variant Classification Sherloc (09022015). Collection method: clinical testing. Allele origin: germline.
Comment: For these reasons, this variant has been classified as Pathogenic. This variant has not been reported in the literature in individuals affected with DHDDS-related conditions. This variant is not present in population databases (ExAC no frequency). This sequence change creates a premature translational stop signal (p.Trp171Leufs*12) in the DHDDS gene. It is expected to result in an absent or disrupted protein product. Loss-of-function variants in DHDDS are known to be pathogenic (PMID: 24664742).

Literature cited by the submitters: PubMed 24664742.

NM_205861.3(DHDDS):c.510dup (p.Trp171fs)

Gene: DHDDS (dehydrodolichyl diphosphate synthase subunit; plus strand). Cytogenetic location: 1p36.11.
Variant type: Duplication.
Coding change: c.510dup on transcript NM_205861.3 (MANE Select); coding-DNA position 510, one base duplicated (C; older notation c.510dupC).
Protein change: p.Trp171fs; shifts the reading frame from tryptophan 171.
Molecular consequence: frameshift variant. On other transcripts: intron variant (1).
Genome position (GRCh38, 1-based): chr1:26,447,628, C duplicated; the last of 2 consecutive C bases (chr1:26,447,627-26,447,628); duplicating either gives the same sequence. VCF-style (leftmost placement, unchanged base first): chr1-26447626-G-GC. GRCh37 (hg19) VCF-style: chr1-26774117-G-GC.
Other names: c.393dup, p.Trp132fs (NM_001243565.2); c.231dup, p.Trp78fs (NM_001319959.2); c.510dup, p.Trp171fs (NM_024887.4); c.440+1196dup (NM_001243564.2); short protein forms W78fs, W132fs, W171fs.
Identifiers: ClinVar variation 1415429 (VCV001415429.6), dbSNP rs2124433466, ClinGen allele CA2573132220.